The following is an entry in ClinVar:

ClinVar aggregate classification (germline): Uncertain significance (1 of 4 stars; one submission).

Submission:

Ambry Genetics
Classification: Uncertain significance. Last evaluated: 2020-09-16. Review status: criteria provided, single submitter. Criteria: Ambry Variant Classification Scheme 2023. Collection method: clinical testing. Allele origin: germline.
Comment: The p.L506Q variant (also known as c.1517T>A), located in coding exon 12 of the RECQL gene, results from a T to A substitution at nucleotide position 1517. The leucine at codon 506 is replaced by glutamine, an amino acid with dissimilar properties. This amino acid position is not well conserved in available vertebrate species. In addition, this alteration is predicted to be tolerated by in silico analysis. Since supporting evidence is limited at this time, the clinical significance of this alteration remains unclear.

NM_002907.4(RECQL):c.1517T>A (p.Leu506Gln)

Gene: RECQL (RecQ like helicase; minus strand). Cytogenetic location: 12p12.1.
Variant type: single nucleotide variant.
Coding change: c.1517T>A on transcript NM_002907.4 (MANE Select); coding-DNA position 1517, T replaced by A.
Protein change: p.Leu506Gln; replaces leucine 506 with glutamine.
Molecular consequence: missense variant.
Genome position (GRCh38, 1-based): chr12:21,471,578, A>T on the plus strand (T>A on the coding strand, the complement: RECQL is on the minus strand). VCF-style: chr12-21471578-A-T. GRCh37 (hg19) VCF-style: chr12-21624512-A-T.
Other names: c.1517T>A, p.Leu506Gln (NM_032941.3); short protein forms L506Q.
Identifiers: ClinVar variation 1774346 (VCV001774346.2), dbSNP rs2540321943, ClinGen allele CA384116244.